The following is an entry in ClinVar:

ClinVar aggregate classification (germline): Likely benign (1 of 4 stars; one submission).

Allele frequency attached by ClinVar (database versions not stated): TOPMed 0.00002; gnomAD 0.00009; ExAC 0.00012; gnomAD exomes 0.00016; 1000 Genomes Project 30x 0.00042; 1000 Genomes Project 0.00053.

Submission:

CeGaT Center for Human Genetics Tuebingen
Classification: Likely benign. Last evaluated: 2022-11-01. Review status: criteria provided, single submitter. Criteria: CeGaT Center For Human Genetics Tuebingen Variant Classification Criteria Version 2. Collection method: clinical testing. Allele origin: germline. Affected: yes. Observed: 1 variant allele.
Comment: PPP1R2C: BS2

NM_025210.2(PPP1R2C):c.242A>G (p.Asn81Ser)

Gene: PPP1R2C (PPP1R2 family member C; minus strand). Cytogenetic location: Xp11.3.
Variant type: single nucleotide variant.
Coding change: c.242A>G on transcript NM_025210.2 (MANE Select); coding-DNA position 242, A replaced by G.
Protein change: p.Asn81Ser; replaces asparagine 81 with serine.
Molecular consequence: missense variant.
Genome position (GRCh38, 1-based): chrX:42,777,838, T>C on the plus strand (A>G on the coding strand, the complement: PPP1R2C is on the minus strand). VCF-style: chrX-42777838-T-C. GRCh37 (hg19) VCF-style: chrX-42637089-T-C.
Other names: short protein forms N81S.
Identifiers: ClinVar variation 2660356 (VCV002660356.24), dbSNP rs187342460, ClinGen allele CA10390690.